The following is an entry in ClinVar:

ClinVar aggregate classification (germline): Pathogenic/Likely pathogenic. Review status: criteria provided, multiple submitters, no conflicts (2 of 4 stars). 2 submissions from 2 submitters: Pathogenic (1); Likely pathogenic (1). Last evaluated 2024-03-28.

Conditions:
MASP1-related disorders.

Allele frequency attached by ClinVar (database versions not stated): gnomAD exomes 0.00002.
gnomAD v4.1: 23 of 1,613,836 alleles (0.0014%); highest among the groups gnomAD compares: Non-Finnish European, 0.0019%; no homozygotes.

Submissions (2):

Blueprint Genetics
Classification: Likely pathogenic for MASP1-related disorders. Last evaluated: 2024-03-28. Review status: criteria provided, single submitter. Criteria: ACMG Guidelines, 2015. Collection method: clinical testing. Allele origin: germline. Affected: yes. Observed: 2 variant alleles.

GeneDx
Classification: Pathogenic. Last evaluated: 2019-10-06. Review status: criteria provided, single submitter. Criteria: GeneDx Variant Classification Process June 2021. Collection method: clinical testing. Allele origin: germline. Affected: yes.
Comment: Canonical splice site variant in a gene for which loss-of-function is a known mechanism of disease; Not observed in large population cohorts (Lek et al., 2016); Has not been previously published as pathogenic or benign to our knowledge

NM_139125.4(MASP1):c.238-2A>T

Gene: MASP1 (MBL associated serine protease 1; minus strand). Cytogenetic location: 3q27.3.
Variant type: single nucleotide variant.
Coding change: c.238-2A>T on transcript NM_139125.4 (MANE Select); the canonical splice acceptor site of the intron before coding-DNA position 238, A replaced by T.
Molecular consequence: splice acceptor variant.
Genome position (GRCh38, 1-based): chr3:187,262,722, T>A on the plus strand (A>T on the coding strand, the complement: MASP1 is on the minus strand). VCF-style: chr3-187262722-T-A. GRCh37 (hg19) VCF-style: chr3-186980510-T-A.
Other names: c.238-2A>T (NM_001879.6, NM_001031849.3).
Identifiers: ClinVar variation 546181 (VCV000546181.4), dbSNP rs1553779765, ClinGen allele CA355748811.
Genomic context (GRCh38, chr3:187,262,722, plus strand): 5'-TCTGTGTCTGTGGTCTCCCTGCCACAGAAGGTTGCCAGCACCTGGTCCTCAGTTTCTACC[T>A]TTGAGGTCAAAGAGAAAGGGAACAAGATGAGCAGTTTCCCAGCTAGGCTTCTTTCCTTAT-3'